The following is an entry in ClinVar:

NM_000097.7(CPOX):c.83_85del (p.Ser28_Gln29delinsTer)

Genes: CPOX (coproporphyrinogen oxidase; minus strand), LOC129937121 (ATAC-STARR-seq lymphoblastoid silent region 14560; plus strand). Cytogenetic location: 3q11.2.
Variant type: Deletion.
Coding change: c.83_85del on transcript NM_000097.7 (MANE Select); coding-DNA positions 83 to 85, 3 bases deleted (CCC; older notation c.83_85delCCC).
Protein change: p.Ser28_Gln29delinsTer.
Molecular consequence: nonsense.
Genome position (GRCh38, 1-based): chr3:98,593,420-98,593,422, GGG deleted on the plus strand (CCC on the coding strand, the reverse complement: CPOX is on the minus strand). VCF-style (leftmost placement, unchanged base first): chr3-98593419-TGGG-T. GRCh37 (hg19) VCF-style: chr3-98312263-TGGG-T.
Identifiers: ClinVar variation 5043317 (VCV005043317.1).

ClinVar aggregate classification (germline): Pathogenic (1 of 4 stars; one submission).

Conditions:
Harderoporphyria (HARPO). Identifiers: Orphanet 659672, MedGen C0342859, MONDO:0030048, OMIM 618892.

Submission:

Cellular and Molecular Research Center, Cellular and Molecular Medicine Research Institute,, Urmia University of Medical Sciences
Classification: Pathogenic for Harderoporphyria. Last evaluated: 2026-10-18. Review status: criteria provided, single submitter. Criteria: ACMG Guidelines, 2015. Collection method: clinical testing. Allele origin: germline. Inheritance: Autosomal recessive inheritance. Affected: yes. Observed: 1 variant allele, 1 homozygote.
Comment: The CPOX gene encodes coproporphyrinogen oxidase, an essential mitochondrial enzyme involved in heme biosynthesis. Pathogenic variants in this gene are associated with hereditary coproporphyria (HCP) and, in biallelic cases, harderoporphyria. The variant c.83_85del (GGG) is a three-base-pair deletion that results in the protein consequence p.(Ser28_Gln29delinsTer), introducing a premature stop codon and potentially producing a severely truncated, non-functional protein. This loss of function may impair heme synthesis, leading to abnormal porphyrin accumulation and mitochondrial dysfunction.

Literature cited by the submitters: DOI 10.1093/ejendo/lvaf089.